The following is an entry in ClinVar:

ClinVar aggregate classification (germline): Likely benign. Review status: criteria provided, multiple submitters, no conflicts (2 of 4 stars). 2 submissions from 2 submitters: Likely benign (2). Last evaluated 2018-01-12.

Conditions:
Microcephaly 5, primary, autosomal recessive (MCPH5). Also called: ASPM Primary Microcephaly. Identifiers: Orphanet 2512, MedGen C1837501, MONDO:0012106, OMIM 608716.

Allele frequency attached by ClinVar (database versions not stated): gnomAD 0.00118; TOPMed 0.00141; 1000 Genomes Project 30x 0.00281; 1000 Genomes Project 0.00339.

Submissions (2):

Illumina Laboratory Services, Illumina
Classification: Likely benign for Microcephaly 5, primary, autosomal recessive. Last evaluated: 2018-01-12. Review status: criteria provided, single submitter. Criteria: ICSL Variant Classification Criteria 13 December 2019. Collection method: clinical testing. Allele origin: germline.
Comment: This variant was observed in the ICSL laboratory as part of a predisposition screen in an ostensibly healthy population. It had not been previously curated by ICSL or reported in the Human Gene Mutation Database (HGMD: prior to June 1st, 2018), and was therefore a candidate for classification through an automated scoring system. Utilizing variant allele frequency, disease prevalence and penetrance estimates, and inheritance mode, an automated score was calculated to assess if this variant is too frequent to cause the disease. Based on the score and internal cut-off values, a variant classified as likely benign is not then subjected to further curation. The score for this variant resulted in a classification of likely benign for this disease.

Breakthrough Genomics
Classification: Likely benign. Review status: criteria provided, single submitter. Criteria: ACMG Guidelines, 2015. Collection method: not provided. Allele origin: germline. Inheritance: Autosomal recessive inheritance. Affected: yes.

NM_018136.5(ASPM):c.-177G>A

Gene: ASPM (assembly factor for spindle microtubules; minus strand). Cytogenetic location: 1q31.3.
Variant type: single nucleotide variant.
Coding change: c.-177G>A on transcript NM_018136.5 (MANE Select); 177 bases upstream of the start codon, G replaced by A.
Molecular consequence: 5 prime UTR variant.
Genome position (GRCh38, 1-based): chr1:197,146,614, C>T on the plus strand (G>A on the coding strand, the complement: ASPM is on the minus strand). VCF-style: chr1-197146614-C-T. GRCh37 (hg19) VCF-style: chr1-197115744-C-T.
Other names: c.-177G>A (NM_001206846.2).
Identifiers: ClinVar variation 294662 (VCV000294662.6), dbSNP rs80055790, ClinGen allele CA10609267.